The following is an entry in ClinVar:

ClinVar aggregate classification (germline): Uncertain significance. Review status: criteria provided, single submitter (1 of 4 stars). 2 submissions from 2 submitters: Uncertain significance (1). 1 of the submissions does not count toward it. Last evaluated 2025-07-31.

Allele frequency attached by ClinVar (database versions not stated): ExAC 0.00001; gnomAD exomes 0.00001; ESP Exome Variant Server 0.00008; gnomAD 0.00009 and 0.00010; TOPMed 0.00011; 1000 Genomes Project 30x 0.00016; 1000 Genomes Project 0.00020.
gnomAD v4.1: 20 of 1,613,832 alleles (0.0012%); highest among the groups gnomAD compares: African/African-American, 0.016%; no homozygotes.

Submissions (2):

Ambry Genetics
Classification: Uncertain significance. Last evaluated: 2025-07-31. Review status: criteria provided, single submitter. Criteria: Ambry Variant Classification Scheme 2023. Collection method: clinical testing. Allele origin: germline.

ITMI
No classification provided. Condition: AllHighlyPenetrant. Last evaluated: 2013-09-19. Review status: no classification provided. Collection method: reference population. Allele origin: germline. Not counted in ClinVar's aggregate classification.
Comment: Please see associated publication for description of ethnicities

Literature cited by the submitters: PubMed 24728327 (cited by ITMI).

NM_170662.5(CBLB):c.1304G>A (p.Cys435Tyr)

Genes: CBLB (Cbl proto-oncogene B; minus strand), LOC126806757 (P300/CBP strongly-dependent group 1 enhancer GRCh37_chr3:105438452-105439651; plus strand). Cytogenetic location: 3q13.11.
Variant type: single nucleotide variant.
Coding change: c.1304G>A on transcript NM_170662.5 (MANE Select); coding-DNA position 1304, G replaced by A.
Protein change: p.Cys435Tyr; replaces cysteine 435 with tyrosine.
Molecular consequence: missense variant. On other transcripts: 5 prime UTR variant (1), non-coding transcript variant (7).
Genome position (GRCh38, 1-based): chr3:105,720,150, C>T on the plus strand (G>A on the coding strand, the complement: CBLB is on the minus strand). VCF-style: chr3-105720150-C-T. GRCh37 (hg19) VCF-style: chr3-105438994-C-T.
Other names: c.1388G>A, p.Cys463Tyr (NM_001321786.1, NM_001321789.1); c.1304G>A, p.Cys435Tyr (NM_001321788.2, NM_001321791.2, NM_001321793.2 and 4 more transcripts); c.1370G>A, p.Cys457Tyr (NM_001321790.2); c.1157G>A, p.Cys386Tyr (NM_001321796.2, NM_001321799.2); c.524G>A, p.Cys175Tyr (NM_001321806.2, NM_001321807.2, NM_001321808.2 and 3 more transcripts); c.116G>A, p.Cys39Tyr (NM_001321820.2); c.-26G>A (NM_001321822.2); c.1304G>A (NM_170662.3); short protein forms C435Y, C175Y, C386Y, C39Y, C457Y, C463Y.
Identifiers: ClinVar variation 133819 (VCV000133819.2), dbSNP rs116474782, ClinGen allele CA157885.